The following is an entry in ClinVar:

ClinVar aggregate classification (germline): Likely pathogenic (1 of 4 stars; one submission).

Conditions:
Hereditary cancer-predisposing syndrome. Also called: Tumor predisposition; Hereditary Cancer Syndrome; Hereditary neoplastic syndrome; Neoplastic Syndromes, Hereditary. Identifiers: Orphanet 140162, MedGen C0027672, MeSH D009386, MONDO:0015356.

Submission:

Ambry Genetics
Classification: Likely pathogenic for Hereditary cancer-predisposing syndrome. Last evaluated: 2025-04-02. Review status: criteria provided, single submitter. Criteria: Ambry Variant Classification Scheme 2023. Collection method: clinical testing. Allele origin: germline.
Comment: The p.Y67C variant (also known as c.200A>G), located in coding exon 2 of the FH gene, results from an A to G substitution at nucleotide position 200. The tyrosine at codon 67 is replaced by cysteine, an amino acid with highly dissimilar properties. This variant was reported in individual(s) with features consistent with hereditary leiomyomatosis and renal cell cancer. Based on internal structural analysis, p.Y67C is deleterious (Ambry internal data). This amino acid position is highly conserved in available vertebrate species. In addition, this alteration is predicted to be deleterious by in silico analysis. This variant is considered to be rare based on population cohorts in the Genome Aggregation Database (gnomAD). Based on the majority of available evidence to date, this variant is likely to be pathogenic.

NM_000143.4(FH):c.200A>G (p.Tyr67Cys)

Gene: FH (fumarate hydratase; minus strand). Cytogenetic location: 1q43.
Variant type: single nucleotide variant.
Coding change: c.200A>G on transcript NM_000143.4 (MANE Select); coding-DNA position 200, A replaced by G.
Protein change: p.Tyr67Cys; replaces tyrosine 67 with cysteine.
Molecular consequence: missense variant.
Genome position (GRCh38, 1-based): chr1:241,517,249, T>C on the plus strand (A>G on the coding strand, the complement: FH is on the minus strand). VCF-style: chr1-241517249-T-C. GRCh37 (hg19) VCF-style: chr1-241680549-T-C.
Other names: short protein forms Y67C.
Identifiers: ClinVar variation 2587068 (VCV002587068.3), dbSNP rs2527340320, ClinGen allele CA345441851.